The following is an entry in ClinVar:

NM_000548.5(TSC2):c.760G>A (p.Glu254Lys)

Gene: TSC2 (TSC complex subunit 2; plus strand). Cytogenetic location: 16p13.3.
Variant type: single nucleotide variant.
Coding change: c.760G>A on transcript NM_000548.5 (MANE Select); coding-DNA position 760, G replaced by A.
Protein change: p.Glu254Lys; replaces glutamic acid 254 with lysine.
Molecular consequence: missense variant.
Genome position (GRCh38, 1-based): chr16:2,056,755, G>A. VCF-style: chr16-2056755-G-A. GRCh37 (hg19) VCF-style: chr16-2106756-G-A.
Other names: p.E254K:GAG>AAG; c.760G>A, p.Glu254Lys (NM_001077183.3, NM_001114382.3, NM_001363528.2 and 3 more transcripts); c.649G>A, p.Glu217Lys (NM_001318827.2); c.613G>A, p.Glu205Lys (NM_001318829.2); c.160G>A, p.Glu54Lys (NM_001318831.2); c.793G>A, p.Glu265Lys (NM_001318832.2); c.760G>A (NM_000548.4); short protein forms E254K, E205K, E217K, E265K, E54K.
Identifiers: ClinVar variation 65231 (VCV000065231.56), dbSNP rs45517126, ClinGen allele CA022920.
Genomic context (GRCh38, chr16:2,056,755, plus strand): 5'-GAGAGCCTCCCGCTGTTCATCGTTACCCTCTGTCGCACCATCAACGTCAAGGAGCTCTGC[G>A]AGCCTTGCTGGAAGGTGGGGTTTCTGAAACTGCTCTGGAAGGTTCCTGAGAGCACATGGA-3'
Protein context (NP_000539.2, residues 244-264): CRTINVKELC[Glu254Lys]PCWKLMRNLL

ClinVar aggregate classification (germline): Benign/Likely benign. Review status: criteria provided, multiple submitters, no conflicts (2 of 4 stars). 12 submissions from 12 submitters: Benign (3); Likely benign (8). 1 of the submissions does not count toward it. Last evaluated 2026-04-01.

Conditions:
TSC2-related disorder. Also called: TSC2-related condition; TSC2-Related Disorders.
Hereditary cancer-predisposing syndrome. Also called: Hereditary Cancer Syndrome; Tumor predisposition; Neoplastic Syndromes, Hereditary; Hereditary neoplastic syndrome. Identifiers: Orphanet 140162, MedGen C0027672, MeSH D009386, MONDO:0015356.
Tuberous sclerosis syndrome (TSC). Also called: Tuberous Sclerosis Complex; Tuberous sclerosis. Identifiers: Orphanet 805, MedGen C0041341, MONDO:0001734.
Tuberous sclerosis 2 (TSC2). Identifiers: Orphanet 805, MedGen C1860707, MONDO:0013199, OMIM 613254.

Allele frequency attached by ClinVar (database versions not stated): gnomAD 0.00008; ExAC 0.00009; ESP Exome Variant Server 0.00015; gnomAD exomes 0.00005 and 0.00006; TOPMed 0.00005.
gnomAD v4.1: 81 of 1,609,642 alleles (0.005%); highest among the groups gnomAD compares: Non-Finnish European, 0.0057%; no homozygotes.

Submissions (12):

CeGaT Center for Human Genetics Tuebingen
Classification: Likely benign. Last evaluated: 2026-04-01. Review status: criteria provided, single submitter. Criteria: CeGaT Center For Human Genetics Tuebingen Variant Classification Criteria Version 2. Collection method: clinical testing. Allele origin: germline. Affected: yes. Observed: 3 variant alleles.
Comment: TSC2: PP3, BS2

Labcorp Genetics (formerly Invitae), Labcorp
Classification: Benign for Tuberous sclerosis 2. Last evaluated: 2026-01-30. Review status: criteria provided, single submitter. Criteria: Invitae Variant Classification Sherloc (09022015). Collection method: clinical testing. Allele origin: germline.

Myriad Genetics, Inc.
Classification: Likely benign for Tuberous sclerosis 2. Last evaluated: 2025-05-09. Review status: criteria provided, single submitter. Criteria: Myriad Autosomal Dominant, Autosomal Recessive and X-Linked Classification Criteria (2023). Collection method: clinical testing. Allele origin: unknown.
Comment: This variant is considered likely benign. This variant has been observed at a population frequency that is significantly greater than expected given the associated disease prevalence and penetrance.

Laboratory of Genetics, Children's Clinical University Hospital Latvia
Classification: Likely benign. Last evaluated: 2025-02-16. Review status: criteria provided, single submitter. Criteria: ACMG Guidelines, 2015. Collection method: clinical testing. Allele origin: germline. Affected: yes.

PreventionGenetics, part of Exact Sciences
Classification: Likely benign for TSC2-related condition. Last evaluated: 2024-11-16. Review status: criteria provided, single submitter. Criteria: ACMG Guidelines, 2015. Collection method: clinical testing. Allele origin: germline.
Comment: This variant is classified as likely benign based on ACMG/AMP sequence variant interpretation guidelines (Richards et al. 2015 PMID: 25741868, with internal and published modifications).

Blueprint Genetics
Classification: Likely benign. Last evaluated: 2024-09-16. Review status: criteria provided, single submitter. Criteria: ACMG Guidelines, 2015. Collection method: clinical testing. Allele origin: germline.

Color Diagnostics, LLC DBA Color Health
Classification: Benign for Tuberous sclerosis syndrome. Last evaluated: 2022-08-10. Review status: criteria provided, single submitter. Criteria: ACMG Guidelines, 2015. Collection method: clinical testing. Allele origin: germline.

Genome-Nilou Lab
Classification: Benign for Tuberous sclerosis 2. Last evaluated: 2021-11-07. Review status: criteria provided, single submitter. Criteria: ACMG Guidelines, 2015. Collection method: clinical testing. Allele origin: germline. Affected: no.

Sema4
Classification: Likely benign for Hereditary cancer-predisposing syndrome. Last evaluated: 2021-06-24. Review status: criteria provided, single submitter. Criteria: Sema4 Curation Guidelines. Collection method: curation. Allele origin: germline.

Ambry Genetics
Classification: Likely benign for Hereditary cancer-predisposing syndrome. Last evaluated: 2018-12-18. Review status: criteria provided, single submitter. Criteria: Ambry Variant Classification Scheme 2023. Collection method: clinical testing. Allele origin: germline.

GeneDx
Classification: Likely benign. Last evaluated: 2017-02-07. Review status: criteria provided, single submitter. Criteria: GeneDx Variant Classification (06012015). Collection method: clinical testing. Allele origin: germline. Affected: yes.
Comment: This variant is considered likely benign or benign based on one or more of the following criteria: it is a conservative change, it occurs at a poorly conserved position in the protein, it is predicted to be benign by multiple in silico algorithms, and/or has population frequency not consistent with disease.

Tuberous sclerosis database (TSC2)
No classification provided. Condition: TSC. Review status: no classification provided. Criteria: Tuberous Sclerosis Database Assertion Criteria 2015. Collection method: curation. Allele origin: germline. Affected: yes. Not counted in ClinVar's aggregate classification.

Literature cited by the submitters: PubMed 22903760 (cited by Ambry Genetics).